The following is an entry in ClinVar:

NM_001171.6(ABCC6):c.3586C>G (p.His1196Asp)

Gene: ABCC6 (ATP binding cassette subfamily C member 6; minus strand). Cytogenetic location: 16p13.11.
Variant type: single nucleotide variant.
Coding change: c.3586C>G on transcript NM_001171.6 (MANE Select); coding-DNA position 3586, C replaced by G.
Protein change: p.His1196Asp; replaces histidine 1196 with aspartic acid.
Molecular consequence: missense variant. On other transcripts: non-coding transcript variant (1).
Genome position (GRCh38, 1-based): chr16:16,161,485, G>C on the plus strand (C>G on the coding strand, the complement: ABCC6 is on the minus strand). VCF-style: chr16-16161485-G-C. GRCh37 (hg19) VCF-style: chr16-16255342-G-C.
Other names: c.3244C>G, p.His1082Asp (NM_001351800.1); short protein forms H1082D, H1196D.
Identifiers: ClinVar variation 1416323 (VCV001416323.10), dbSNP rs146284800, ClinGen allele CA7925524.
Genomic context (GRCh38, chr16:16,161,485, plus strand): 5'-ATGTGGGGAGTACCTGGAGGGCAGCAGAGACAGAGAAGCCCACGAGGCCAGCACTGAGGT[G>C]GGCTTTGCTCAGCACAGCACACGTGGCAGCTGCAAACACCAGGCCATTCCCCAGGAGCTC-3'
Protein context (NP_001162.5, residues 1186-1206): AATCAVLSKA[His1196Asp]LSAGLVGFSV

ClinVar aggregate classification (germline): Uncertain significance. Review status: criteria provided, multiple submitters, no conflicts (2 of 4 stars). 2 submissions from 2 submitters: Uncertain significance (2). Last evaluated 2024-06-18.

Conditions:
Autosomal recessive inherited pseudoxanthoma elasticum (PXE). Identifiers: Orphanet 758, MedGen CN032334, MONDO:0009925, OMIM 264800.
Pseudoxanthoma elasticum, forme fruste. Also called: Pseudoxanthoma Elasticum, Incomplete; PSEUDOXANTHOMA ELASTICUM, HETEROZYGOUS. Identifiers: Orphanet 758, MedGen C1867450, MONDO:0008333, OMIM 177850.
Arterial calcification, generalized, of infancy, 2. Identifiers: Orphanet 51608, MedGen C3276161, MONDO:0013768, OMIM 614473.

Allele frequency attached by ClinVar (database versions not stated): gnomAD exomes below 0.00001; ExAC 0.00001; TOPMed 0.00001; gnomAD 0.00002; ESP Exome Variant Server 0.00008.
gnomAD v4.1: 9 of 1,613,884 alleles (0.00056%); highest among the groups gnomAD compares: African/African-American, 0.011%; no homozygotes.

Submissions (2):

Fulgent Genetics
Classification: Uncertain significance for Pseudoxanthoma elasticum, forme fruste; Autosomal recessive inherited pseudoxanthoma elasticum; Arterial calcification, generalized, of infancy, 2. Last evaluated: 2024-06-18. Review status: criteria provided, single submitter. Criteria: ACMG Guidelines, 2015. Collection method: clinical testing. Allele origin: germline.

Labcorp Genetics (formerly Invitae), Labcorp
Classification: Uncertain significance. Last evaluated: 2021-04-11. Review status: criteria provided, single submitter. Criteria: Invitae Variant Classification Sherloc (09022015). Collection method: clinical testing. Allele origin: germline.
Comment: In summary, the available evidence is currently insufficient to determine the role of this variant in disease. Therefore, it has been classified as a Variant of Uncertain Significance. Advanced modeling of protein sequence and biophysical properties (such as structural, functional, and spatial information, amino acid conservation, physicochemical variation, residue mobility, and thermodynamic stability) performed at Invitae indicates that this missense variant is not expected to disrupt ABCC6 protein function. This variant has not been reported in the literature in individuals with ABCC6-related conditions. This variant is present in population databases (rs146284800, ExAC 0.01%). This sequence change replaces histidine with aspartic acid at codon 1196 of the ABCC6 protein (p.His1196Asp). The histidine residue is moderately conserved and there is a moderate physicochemical difference between histidine and aspartic acid.